The following is an entry in ClinVar:

ClinVar aggregate classification (germline): Uncertain significance. Review status: criteria provided, multiple submitters, no conflicts (2 of 4 stars). 2 submissions from 2 submitters: Uncertain significance (2). Last evaluated 2021-10-28.

Allele frequency attached by ClinVar (database versions not stated): gnomAD exomes 0.00001; TOPMed 0.00001.
gnomAD v4.1: 9 of 1,613,904 alleles (0.00056%); highest among the groups gnomAD compares: South Asian, 0.0099%; no homozygotes.

Submissions (2):

Blueprint Genetics
Classification: Uncertain significance. Last evaluated: 2021-10-28. Review status: criteria provided, single submitter. Criteria: ACMG Guidelines, 2015. Collection method: clinical testing. Allele origin: germline.

Labcorp Genetics (formerly Invitae), Labcorp
Classification: Uncertain significance. Last evaluated: 2021-08-28. Review status: criteria provided, single submitter. Criteria: Invitae Variant Classification Sherloc (09022015). Collection method: clinical testing. Allele origin: germline.
Comment: This sequence change replaces glutamic acid with lysine at codon 470 of the RCBTB1 protein (p.Glu470Lys). The glutamic acid residue is moderately conserved and there is a small physicochemical difference between glutamic acid and lysine. This variant is not present in population databases (ExAC no frequency). This variant has not been reported in the literature in individuals affected with RCBTB1-related conditions. Algorithms developed to predict the effect of missense changes on protein structure and function are either unavailable or do not agree on the potential impact of this missense change (SIFT: "Deleterious"; PolyPhen-2: "Benign"; Align-GVGD: "Class C0"). In summary, the available evidence is currently insufficient to determine the role of this variant in disease. Therefore, it has been classified as a Variant of Uncertain Significance.

NM_018191.4(RCBTB1):c.1408G>A (p.Glu470Lys)

Gene: RCBTB1 (RCC1 and BTB domain containing protein 1; minus strand). Cytogenetic location: 13q14.2.
Variant type: single nucleotide variant.
Coding change: c.1408G>A on transcript NM_018191.4 (MANE Select); coding-DNA position 1408, G replaced by A.
Protein change: p.Glu470Lys; replaces glutamic acid 470 with lysine.
Molecular consequence: missense variant. On other transcripts: non-coding transcript variant (2).
Genome position (GRCh38, 1-based): chr13:49,540,923, C>T on the plus strand (G>A on the coding strand, the complement: RCBTB1 is on the minus strand). VCF-style: chr13-49540923-C-T. GRCh37 (hg19) VCF-style: chr13-50115059-C-T.
Other names: c.1408G>A, p.Glu470Lys (NM_001352500.2, NM_001352501.2, NM_001352502.2 and 2 more transcripts); c.829G>A, p.Glu277Lys (NM_001352506.2); short protein forms E277K, E470K.
Identifiers: ClinVar variation 1016836 (VCV001016836.7), dbSNP rs1269023587, ClinGen allele CA388186676.